The following is an entry in ClinVar:

ClinVar aggregate classification (germline): Uncertain significance (1 of 4 stars; one submission).

Conditions:
Chédiak-Higashi syndrome (CHS). Also called: Chediak-Higashi Syndrome. Identifiers: Orphanet 167, MedGen C0007965, MONDO:0008963, OMIM 214500.

Submission:

Labcorp Genetics (formerly Invitae), Labcorp
Classification: Uncertain significance for Chédiak-Higashi syndrome. Last evaluated: 2021-12-22. Review status: criteria provided, single submitter. Criteria: Invitae Variant Classification Sherloc (09022015). Collection method: clinical testing. Allele origin: germline.
Comment: This variant has not been reported in the literature in individuals affected with LYST-related conditions. Algorithms developed to predict the effect of sequence changes on RNA splicing suggest that this variant may create or strengthen a splice site. This sequence change falls in intron 22 of the LYST gene. It does not directly change the encoded amino acid sequence of the LYST protein. This variant is not present in population databases (gnomAD no frequency). In summary, the available evidence is currently insufficient to determine the role of this variant in disease. Therefore, it has been classified as a Variant of Uncertain Significance.

NM_000081.4(LYST):c.6253+19G>T

Gene: LYST (lysosomal trafficking regulator; minus strand). Cytogenetic location: 1q42.3.
Variant type: single nucleotide variant.
Coding change: c.6253+19G>T on transcript NM_000081.4 (MANE Select); 19 bases into the intron after coding-DNA position 6253, G replaced by T.
Molecular consequence: intron variant.
Genome position (GRCh38, 1-based): chr1:235,762,701, C>A on the plus strand (G>T on the coding strand, the complement: LYST is on the minus strand). VCF-style: chr1-235762701-C-A. GRCh37 (hg19) VCF-style: chr1-235926001-C-A.
Other names: c.6253+19G>T (NM_001301365.1).
Identifiers: ClinVar variation 2053966 (VCV002053966.4), dbSNP rs756813987, ClinGen allele CA2580062466.